The following is an entry in ClinVar:

NM_001267550.2(TTN):c.84958_84959delinsT (p.Asp28320fs)

Genes: TTN (titin; minus strand), TTN-AS1 (TTN antisense RNA 1; plus strand). Cytogenetic location: 2q31.2.
Variant type: Indel.
Coding change: c.84958_84959delinsT on transcript NM_001267550.2 (MANE Select); coding-DNA positions 84958 to 84959, GA replaced by T.
Protein change: p.Asp28320fs; shifts the reading frame from aspartic acid 28320.
Molecular consequence: frameshift variant.
Genome position (GRCh38, 1-based): chr2:178,561,173-178,561,174, TC replaced by A on the plus strand (GA replaced by T on the coding strand, the reverse complement: TTN is on the minus strand). VCF-style: chr2-178561173-TC-A. GRCh37 (hg19) VCF-style: chr2-179425900-TC-A.
Other names: c.80035_80036delinsT, p.Asp26679fs (NM_001256850.1); c.57763_57764delinsT, p.Asp19255fs (NM_003319.4); c.77254_77255delinsT, p.Asp25752fs (NM_133378.4); c.58138_58139delinsT, p.Asp19380fs (NM_133432.3); c.58339_58340delinsT, p.Asp19447fs (NM_133437.4); short protein forms D28320fs, D19380fs, D19255fs, D25752fs, D26679fs, D19447fs.
Identifiers: ClinVar variation 964650 (VCV000964650.6), dbSNP rs1703522059, ClinGen allele CA1139657431.

ClinVar aggregate classification (germline): Likely pathogenic (1 of 4 stars; one submission).

Conditions:
Dilated cardiomyopathy 1G (CMD1G). Identifiers: Orphanet 154, MedGen C1858763, MONDO:0011400, OMIM 604145.
Autosomal recessive limb-girdle muscular dystrophy type 2J (LGMDR10). Also called: Limb-girdle muscular dystrophy, type 2J; MUSCULAR DYSTROPHY, LIMB-GIRDLE, AUTOSOMAL RECESSIVE 10. Identifiers: Orphanet 140922, MedGen C1837342, MONDO:0012127, OMIM 608807.

Submission:

Labcorp Genetics (formerly Invitae), Labcorp
Classification: Likely pathogenic for Dilated cardiomyopathy 1G; Autosomal recessive limb-girdle muscular dystrophy type 2J. Last evaluated: 2019-01-29. Review status: criteria provided, single submitter. Criteria: Invitae Variant Classification Sherloc (09022015). Collection method: clinical testing. Allele origin: germline.
Comment: In summary, the currently available evidence indicates that the variant is pathogenic, but additional data are needed to prove that conclusively. Therefore, this variant has been classified as Likely Pathogenic. This variant is located in the A band of TTN (PMID: 25589632). Truncating variants in this region are significantly overrepresented in patients affected with dilated cardiomyopathy (PMID: 25589632). Truncating variants in this region have also been reported in individuals affected with autosomal recessive centronuclear myopathy (PMID: 23975875). This variant has not been reported in the literature in individuals with TTN-related conditions. This variant is not present in population databases (ExAC no frequency). This sequence change results in a premature translational stop signal in the TTN gene (p.Asp28320Phefs*28). While this is not anticipated to result in nonsense mediated decay, it is expected to create a truncated TTN protein.

Literature cited by the submitters: PubMed 25589632; PubMed 23975875.